The following is an entry in ClinVar:

ClinVar aggregate classification (germline): Uncertain significance. Review status: criteria provided, multiple submitters, no conflicts (2 of 4 stars). 2 submissions from 2 submitters: Uncertain significance (2). Last evaluated 2025-06-02.

Submissions (2):

Mayo Clinic Laboratories, Mayo Clinic
Classification: Uncertain significance. Last evaluated: 2025-06-02. Review status: criteria provided, single submitter. Criteria: ACMG Guidelines, 2015. Collection method: clinical testing. Allele origin: germline. Observed: 1 variant allele.
Comment: BP3

GeneDx
Classification: Uncertain significance. Last evaluated: 2025-01-23. Review status: criteria provided, single submitter. Criteria: GeneDx Variant Classification Process June 2021. Collection method: clinical testing. Allele origin: germline.
Comment: In-frame duplication of 2 amino acids in a non-repeat region; Has not been previously published as pathogenic or benign to our knowledge

NM_001492.6(GDF1):c.518GCGCGG[3] (p.Ala176_Asp177insGlyAla)

Genes: CERS1 (ceramide synthase 1; minus strand), GDF1 (growth differentiation factor 1; minus strand). Cytogenetic location: 19p13.11.
Variant type: Microsatellite.
Coding change: c.518GCGCGG[3] on transcript NM_001492.6 (MANE Select); three copies in a row of the 6-base unit GCGCGG starting at c.518; the reference has two copies in a row; one copy, 6 bases duplicated; also written c.524_529dup.
Protein change: p.Ala176_Asp177insGlyAla.
Molecular consequence: 3 prime UTR variant (on NM_021267.5).
Genome position (GRCh38, 1-based): chr19:18,869,187-18,869,192, CCGCGC duplicated on the plus strand (GCGCGG on the coding strand, the reverse complement: GDF1 is on the minus strand); duplicating any 6 consecutive bases within chr19:18,869,187-18,869,200 gives the same sequence; the position shown is the placement nearest the transcript's 3' end. VCF-style (leftmost placement, unchanged base first): chr19-18869186-T-TCCGCGC. GRCh37 (hg19) VCF-style: chr19-18979995-T-TCCGCGC.
Other names: p.Gly175_Ala176dup; c.*787GCGCGG[3] (NM_021267.5); c.518GCGCGG[3], p.Ala176_Asp177insGlyAla (NM_001387438.1); c.*1379GCGCGG[3] (NM_001387440.1); c.524_529dup (NM_001492.6).
Identifiers: ClinVar variation 3361922 (VCV003361922.3).